The following is an entry in ClinVar:

NM_153700.2(STRC):c.5129_5130delinsAG (p.Ser1710Lys)

Gene: STRC (stereocilin; minus strand). Cytogenetic location: 15q15.3.
Variant type: Indel.
Coding change: c.5129_5130delinsAG on transcript NM_153700.2 (MANE Select); coding-DNA positions 5129 to 5130, GT replaced by AG.
Protein change: p.Ser1710Lys; replaces serine 1710 with lysine.
Molecular consequence: missense variant.
Genome position (GRCh38, 1-based): chr15:43,600,069-43,600,070, AC replaced by CT on the plus strand (GT replaced by AG on the coding strand, the reverse complement: STRC is on the minus strand). VCF-style: chr15-43600069-AC-CT. GRCh37 (hg19) VCF-style: chr15-43892267-AC-CT.
Other names: short protein forms S1710K.
Identifiers: ClinVar variation 505743 (VCV000505743.5), dbSNP rs1555446762, ClinGen allele CA658798322.

ClinVar aggregate classification (germline): Uncertain significance (1 of 4 stars; one submission).

Submission:

Laboratory for Molecular Medicine, Mass General Brigham Personalized Medicine
Classification: Uncertain significance. Last evaluated: 2017-04-25. Review status: criteria provided, single submitter. Criteria: LMM Criteria. Collection method: clinical testing. Allele origin: germline. Observed: 1 variant allele.
Comment: The p.Ser1710Lys variant in STRC has not been previously reported in individuals with hearing loss or in large population studies. Serine (Ser) at position 1710 is not conserved in mammals or evolutionarily distant species, raising the poss ibility that a change at this position may be tolerated. Additional computation al prediction tools suggest that the p.Ser1710Lys variant may not impact the pro tein, though this information is not predictive enough to rule out pathogenicity . In summary, the clinical significance of the p.Ser1710Lys variant is uncertain .